The following is an entry in ClinVar:

ClinVar aggregate classification (germline): Uncertain significance. Review status: criteria provided, multiple submitters, no conflicts (2 of 4 stars). 2 submissions from 2 submitters: Uncertain significance (2). Last evaluated 2025-09-11.

Conditions:
Inborn genetic diseases. Identifiers: MedGen C0950123, MeSH D030342.

Allele frequency attached by ClinVar (database versions not stated): TOPMed 0.00003; ExAC 0.00006; gnomAD 0.00006; ESP Exome Variant Server 0.00008.

Submissions (2):

Ambry Genetics
Classification: Uncertain significance for Inborn genetic diseases. Last evaluated: 2025-09-11. Review status: criteria provided, single submitter. Criteria: Ambry Variant Classification Scheme 2023. Collection method: clinical testing. Allele origin: germline.

Labcorp Genetics (formerly Invitae), Labcorp
Classification: Uncertain significance. Last evaluated: 2022-05-20. Review status: criteria provided, single submitter. Criteria: Invitae Variant Classification Sherloc (09022015). Collection method: clinical testing. Allele origin: germline.
Comment: This sequence change replaces proline, which is neutral and non-polar, with leucine, which is neutral and non-polar, at codon 345 of the FKBP10 protein (p.Pro345Leu). This variant is present in population databases (rs371394900, gnomAD 0.007%). This variant has not been reported in the literature in individuals affected with FKBP10-related conditions. Algorithms developed to predict the effect of missense changes on protein structure and function are either unavailable or do not agree on the potential impact of this missense change (SIFT: "Deleterious"; PolyPhen-2: "Probably Damaging"; Align-GVGD: "Class C15"). In summary, the available evidence is currently insufficient to determine the role of this variant in disease. Therefore, it has been classified as a Variant of Uncertain Significance.

NM_021939.4(FKBP10):c.1034C>T (p.Pro345Leu)

Gene: FKBP10 (FKBP prolyl isomerase 10; plus strand). Cytogenetic location: 17q21.2.
Variant type: single nucleotide variant.
Coding change: c.1034C>T on transcript NM_021939.4 (MANE Select); coding-DNA position 1034, C replaced by T.
Protein change: p.Pro345Leu; replaces proline 345 with leucine.
Molecular consequence: missense variant.
Genome position (GRCh38, 1-based): chr17:41,819,646, C>T. VCF-style: chr17-41819646-C-T. GRCh37 (hg19) VCF-style: chr17-39975898-C-T.
Other names: short protein forms P345L.
Identifiers: ClinVar variation 1897093 (VCV001897093.5), dbSNP rs371394900, ClinGen allele CA8566465.